The following is an entry in ClinVar:

ClinVar aggregate classification (germline): Likely pathogenic (1 of 4 stars; one submission).

Conditions:
Gaze palsy, familial horizontal, with progressive scoliosis 1 (HGPPS1). Identifiers: Orphanet 2744, MedGen C4551964, MONDO:0020790, OMIM 607313.

Allele frequency attached by ClinVar (database versions not stated): ExAC 0.00001; gnomAD exomes below 0.00001.
gnomAD v4.1: 1 of 1,613,750 alleles (0.000062%); no homozygotes.

Submission:

Institute of Human Genetics, University of Leipzig Medical Center
Classification: Likely pathogenic for Gaze palsy, familial horizontal, with progressive scoliosis 1. Last evaluated: 2021-01-09. Review status: criteria provided, single submitter. Criteria: ACMG Guidelines, 2015. Collection method: curation. Allele origin: germline. Inheritance: Autosomal recessive inheritance. Affected: yes.
Comment: This ROBO3 variant was reported as Pathogenicâ€‹ in PMID: 29215389 with original nomenclature reported as c.1433 C>T, p.Pro478Leu. Variant was re-classified as Likely Pathogenic based on the criteria PM2_Supporting, PM3_Moderate, PP3_Supporting, PP4_Supporting.

Literature cited by the submitters: PubMed 29215389.

NM_022370.4(ROBO3):c.1433C>T (p.Pro478Leu)

Gene: ROBO3 (roundabout guidance receptor 3; plus strand). Cytogenetic location: 11q24.2.
Variant type: single nucleotide variant.
Coding change: c.1433C>T on transcript NM_022370.4 (MANE Select); coding-DNA position 1433, C replaced by T.
Protein change: p.Pro478Leu; replaces proline 478 with leucine.
Molecular consequence: missense variant.
Genome position (GRCh38, 1-based): chr11:124,872,986, C>T. VCF-style: chr11-124872986-C-T. GRCh37 (hg19) VCF-style: chr11-124742882-C-T.
Other names: short protein forms P478L.
Identifiers: ClinVar variation 996105 (VCV000996105.1), dbSNP rs767693909, ClinGen allele CA6343490.
Genomic context (GRCh38, chr11:124,872,986, plus strand): 5'-CCAATCAGACGCTGGTGCTTGGCTCCTCCGTGTGGCTGCCCTGCAGAGTGACTGGGAACC[C>T]TCAACCCAGTGTCCGATGGAAGAAGGATGGGCAGTGGCTGCAGGGGGATGACCTCCAGTT-3'
Protein context (NP_071765.2, residues 468-488): VWLPCRVTGN[Pro478Leu]QPSVRWKKDG